The following is an entry in ClinVar:

NM_032520.5(GNPTG):c.792_823+13dup

Gene: GNPTG (N-acetylglucosamine-1-phosphate transferase subunit gamma; plus strand). Cytogenetic location: 16p13.3.
Variant type: Duplication.
Coding change: c.792_823+13dup on transcript NM_032520.5 (MANE Select); coding-DNA position 792 through 13 bases into the intron after coding-DNA position 823, 45 bases duplicated.
Molecular consequence: splice donor variant.
Genome position (GRCh38, 1-based): chr16:1,362,875-1,362,919, 45 bases duplicated. GRCh37 (hg19): chr16:1,412,876-1,412,920.
Identifiers: ClinVar variation 1058445 (VCV001058445.7), dbSNP rs1567185504, ClinGen allele CA620700264.

ClinVar aggregate classification (germline): Uncertain significance (1 of 4 stars; one submission).

Allele frequency attached by ClinVar (database versions not stated): gnomAD exomes below 0.00001 and 0.00001.

Submission:

Labcorp Genetics (formerly Invitae), Labcorp
Classification: Uncertain significance. Last evaluated: 2023-03-10. Review status: criteria provided, single submitter. Criteria: Invitae Variant Classification Sherloc (09022015). Collection method: clinical testing. Allele origin: germline.
Comment: In summary, the available evidence is currently insufficient to determine the role of this variant in disease. Therefore, it has been classified as a Variant of Uncertain Significance. Algorithms developed to predict the effect of sequence changes on RNA splicing suggest that this variant may disrupt the consensus splice site. ClinVar contains an entry for this variant (Variation ID: 1058445). This variant has not been reported in the literature in individuals affected with GNPTG-related conditions. This variant is present in population databases (no rsID available, gnomAD 0.007%). This sequence change falls in intron 10 of the GNPTG gene. It does not directly change the encoded amino acid sequence of the GNPTG protein.